The following is an entry in ClinVar:

ClinVar aggregate classification (germline): Uncertain significance (1 of 4 stars; one submission).

Conditions:
Familial acute necrotizing encephalopathy (IIAE3). Also called: ENCEPHALOPATHY, ACUTE, INFECTION-INDUCED, SUSCEPTIBILITY TO, 3; Susceptibility to Acute Necrotizing Encephalopathy 1. Identifiers: Orphanet 88619, MedGen C2675556, MONDO:0011953, OMIM 608033.

Allele frequency attached by ClinVar (database versions not stated): gnomAD exomes below 0.00001.
gnomAD v4.1: 1 of 1,614,088 alleles (0.000062%); highest among the groups gnomAD compares: Middle Eastern, 0.016%; no homozygotes.

Submission:

Labcorp Genetics (formerly Invitae), Labcorp
Classification: Uncertain significance for Familial acute necrotizing encephalopathy. Last evaluated: 2020-02-17. Review status: criteria provided, single submitter. Criteria: Invitae Variant Classification Sherloc (09022015). Collection method: clinical testing. Allele origin: germline.
Comment: In summary, the available evidence is currently insufficient to determine the role of this variant in disease. Therefore, it has been classified as a Variant of Uncertain Significance. Algorithms developed to predict the effect of missense changes on protein structure and function are either unavailable or do not agree on the potential impact of this missense change (SIFT: "Deleterious"; PolyPhen-2: "Benign"; Align-GVGD: "Class C15"). This variant has not been reported in the literature in individuals with RANBP2-related conditions. This variant is not present in population databases (ExAC no frequency). This sequence change replaces proline with leucine at codon 1088 of the RANBP2 protein (p.Pro1088Leu). The proline residue is moderately conserved and there is a moderate physicochemical difference between proline and leucine.

NM_006267.5(RANBP2):c.3263C>T (p.Pro1088Leu)

Gene: RANBP2 (RAN binding protein 2; plus strand). Cytogenetic location: 2q13.
Variant type: single nucleotide variant.
Coding change: c.3263C>T on transcript NM_006267.5 (MANE Select); coding-DNA position 3263, C replaced by T.
Protein change: p.Pro1088Leu; replaces proline 1088 with leucine.
Molecular consequence: missense variant.
Genome position (GRCh38, 1-based): chr2:108,763,802, C>T. VCF-style: chr2-108763802-C-T. GRCh37 (hg19) VCF-style: chr2-109380258-C-T.
Other names: short protein forms P1088L.
Identifiers: ClinVar variation 1006969 (VCV001006969.10), dbSNP rs1676919475, ClinGen allele CA348061181.